The following is an entry in ClinVar:

ClinVar aggregate classification (germline): Pathogenic (1 of 4 stars; one submission).

Conditions:
Primary ciliary dyskinesia. Also called: Ciliary dyskinesia. Identifiers: Orphanet 244, MedGen C0008780, MONDO:0016575, HP:0012265.

Submission:

Labcorp Genetics (formerly Invitae), Labcorp
Classification: Pathogenic for Primary ciliary dyskinesia. Last evaluated: 2023-07-16. Review status: criteria provided, single submitter. Criteria: Invitae Variant Classification Sherloc (09022015). Collection method: clinical testing. Allele origin: germline.
Comment: For these reasons, this variant has been classified as Pathogenic. This variant has not been reported in the literature in individuals affected with DNAI2-related conditions. This variant is not present in population databases (gnomAD no frequency). This sequence change creates a premature translational stop signal (p.Ala109Hisfs*19) in the DNAI2 gene. It is expected to result in an absent or disrupted protein product. Loss-of-function variants in DNAI2 are known to be pathogenic (PMID: 18950741, 23891469).

Literature cited by the submitters: PubMed 18950741; PubMed 23891469.

NM_023036.6(DNAI2):c.325_326del (p.Ala109fs)

Gene: DNAI2 (dynein axonemal intermediate chain 2; plus strand). Cytogenetic location: 17q25.1.
Variant type: Deletion.
Coding change: c.325_326del on transcript NM_023036.6 (MANE Select); coding-DNA positions 325 to 326, 2 bases deleted (GC; older notation c.325_326delGC).
Protein change: p.Ala109fs; shifts the reading frame from alanine 109.
Molecular consequence: frameshift variant. On other transcripts: non-coding transcript variant (1).
Genome position (GRCh38, 1-based): chr17:74,285,181-74,285,182, GC deleted; deleting any 2 consecutive bases within chr17:74,285,180-74,285,182 gives the same sequence; the c. name uses the placement nearest the transcript's 3' end. VCF-style (leftmost placement, unchanged base first): chr17-74285179-ACG-A. GRCh37 (hg19) VCF-style: chr17-72281318-ACG-A.
Other names: c.325_326del, p.Ala109fs (NM_001172810.3, NM_001353167.2); short protein forms A109fs.
Identifiers: ClinVar variation 2743598 (VCV002743598.3), dbSNP rs2509693023, ClinGen allele CA2697555210.